The following is an entry in ClinVar:

ClinVar aggregate classification (germline): Benign/Likely benign. Review status: criteria provided, multiple submitters, no conflicts (2 of 4 stars). 20 submissions from 20 submitters: Benign (11); Likely benign (6). 3 of the submissions do not count toward it. Last evaluated 2026-08-01.

Conditions:
CFTR-related disorder (CFTR-RD). Also called: CFTR-related condition; CFTR-related disorders. Identifiers: MedGen C5924204, MONDO:7770004.
Hereditary pancreatitis (PCTT). Also called: Hereditary chronic pancreatitis; PRSS1-Related Hereditary Pancreatitis. Identifiers: Orphanet 676, MedGen C0238339, MONDO:0008185, OMIM 167800.
Cystic fibrosis (CF). Also called: MUCOVISCIDOSIS. Identifiers: Orphanet 586, MedGen C0010674, MONDO:0009061, OMIM 219700. Disease mechanism: loss of function.

Allele frequency attached by ClinVar (database versions not stated): 1000 Genomes Project 30x 0.00187; 1000 Genomes Project 0.00200; gnomAD 0.00295 and 0.00299; TOPMed 0.00296; gnomAD exomes 0.00344 and 0.00412; ExAC 0.00352; ESP Exome Variant Server 0.00377.
gnomAD v4.1: 5,963 of 1,488,290 alleles (0.4%); highest among the groups gnomAD compares: Non-Finnish European, 0.46%; 23 homozygotes.

Submissions (20):

CeGaT Center for Human Genetics Tuebingen
Classification: Likely benign. Last evaluated: 2026-08-01. Review status: criteria provided, single submitter. Criteria: CeGaT Center For Human Genetics Tuebingen Variant Classification Criteria Version 2. Collection method: clinical testing. Allele origin: germline. Affected: yes. Observed: 16 variant alleles.
Comment: CFTR: BS2

Labcorp Genetics (formerly Invitae), Labcorp
Classification: Benign for Cystic fibrosis. Last evaluated: 2026-02-04. Review status: criteria provided, single submitter. Criteria: Invitae Variant Classification Sherloc (09022015). Collection method: clinical testing. Allele origin: germline.

ARUP Laboratories, Molecular Genetics and Genomics, ARUP Laboratories
Classification: Benign. Last evaluated: 2025-07-22. Review status: criteria provided, single submitter. Criteria: ARUP Molecular Germline Variant Investigation Process 2024. Collection method: clinical testing. Allele origin: germline.

Blueprint Genetics
Classification: Likely benign. Last evaluated: 2024-11-26. Review status: criteria provided, single submitter. Criteria: ACMG Guidelines, 2015. Collection method: clinical testing. Allele origin: germline.

Institute of Human Genetics, University of Leipzig Medical Center
Classification: Benign for Cystic fibrosis. Last evaluated: 2022-09-05. Review status: criteria provided, single submitter. Criteria: ACMG Guidelines, 2015. Collection method: curation. Allele origin: unknown. Affected: yes. Observed: 1 variant allele.
Comment: The variant was classified in the context of a project re-classifying variants in the German Cystic Fibrosis Registry (Muko.e.V.). Criteria applied: BS2, BS3, BP4

Sema4
Classification: Likely benign for Hereditary pancreatitis. Last evaluated: 2021-05-17. Review status: criteria provided, single submitter. Criteria: Sema4 Curation Guidelines. Collection method: curation. Allele origin: germline.

Quest Diagnostics Nichols Institute San Juan Capistrano
Classification: Benign. Last evaluated: 2021-03-31. Review status: criteria provided, single submitter. Criteria: Quest Diagnostics criteria. Collection method: clinical testing. Allele origin: unknown.

Genetics and Molecular Pathology, SA Pathology
Classification: Likely benign for Cystic fibrosis. Last evaluated: 2019-06-26. Review status: criteria provided, single submitter. Criteria: ACMG Guidelines, 2015. Collection method: clinical testing. Allele origin: germline. Inheritance: Autosomal recessive inheritance. Affected: no.

Mendelics
Classification: Benign for Cystic fibrosis. Last evaluated: 2019-05-28. Review status: criteria provided, single submitter. Criteria: Mendelics Assertion Criteria 2017. Collection method: clinical testing. Allele origin: unknown.

CFTR-France
Classification: Benign for cystic fibrosis. Last evaluated: 2018-01-29. Review status: criteria provided, single submitter. Criteria: Claustres M et al. (Hum Mutat 2017). Collection method: curation. Allele origin: germline. Affected: no.
Comment: the variant does not result in CFTR-RD neither

Laboratory for Molecular Medicine, Mass General Brigham Personalized Medicine
Classification: Benign. Last evaluated: 2017-07-31. Review status: criteria provided, single submitter. Criteria: LMM Criteria. Collection method: clinical testing. Allele origin: germline. Observed: 2 variant alleles.
Comment: c.4242+13A>G in intron 26 of CFTR: This variant is not expected to have clinical significance because it has been identified in 1.6% (159/10116) of Ashkenazi Je wish chromosomes by the Genome Aggregation Database (gnomAD; dbSNP rs76179227). It was also identified in 5 homozygotes in gn omAD.

Illumina Laboratory Services, Illumina
Classification: Benign for CFTR-Related Disorders. Last evaluated: 2017-04-27. Review status: criteria provided, single submitter. Criteria: ICSL Variant Classification Criteria 13 December 2019. Collection method: clinical testing. Allele origin: germline.
Comment: This variant was observed as part of a predisposition screen in an ostensibly healthy population. A literature search was performed for the gene, cDNA change, and amino acid change (where applicable). No publications were found based on this search. Allele frequency data from public databases was too high to be consistent with this variant causing disease. Therefore, this variant is classified as benign.

Women's Health and Genetics/Laboratory Corporation of America, LabCorp
Classification: Benign. Last evaluated: 2016-06-28. Review status: criteria provided, single submitter. Criteria: LabCorp Variant Classification Summary - May 2015. Collection method: clinical testing. Allele origin: germline.
Comment: Variant summary: The CFTR c.4242+13A>G variant involves the alteration of a non-conserved intronic nucleotide at a position not widely known to affect normal splicing. One in silico tool predicts a benign outcome for this variant. 5/5 in silico tools predict the variant not to affect splicing, and this prediction is supported by a minigene splicing assay showing no abnormal RNA products from a minigene containing this intronic variant. This variant was found in 424/120694 control chromosomes (including 1 homozygote), predominantly observed in the European (Non-Finnish) subpopulation at a frequency of 0.0051196 (333/65044). This frequency is less than the estimated maximal expected allele frequency of a pathogenic CFTR variant (0.0129603), and it cannot be ruled out that the homozygote could be affected since the ExAC cohort is a general population cohort rather than a healthy or disease-free cohort. Although this variant is found at a frequency less than the most common pathogenic CFTR variant, DeltaF508 (allele frequency in ExAC of 823/121296), c.4242+13A>G is found at a frequency greater than 2-fold higher than the second most common pathogenic CFTR variant in ExAC, c.350G>A (p.Arg117His; 185/120360), highly suggesting that c.4242+13A>G is not pathogenic.Although the variant has been found in patients reported in the literature, there are no reports that show the variants clear-cut causal role in CF and/or CBAVD. In other CFTR-RD phenotypes (asthma, DB, and COPD), this variant was observed at similar frequencies in cases and controls, supporting the notion that it is not a risk factor for these milder phenotypes either. To our knowledge, there was only one report of the variant co-occurring with a pathogenic variant, c.5T_TG11, in a diffuse bronchiectasis patient; however, c.-1043dupT (not in ClinVar and not yet internally classified) was also identified in this patient, phase of these variants was not specified, segregation studies were not performed, and authors consider the variant of interest to be a polymorphism since functional studies showed no effect on splicing (Bergougnoux_JCF_2015). Additionally, UMD reports the variant as a complex allele with c.2538G>A (p.Trp846X) and c.1521_1523delCTT (p.Phe508del) on the other allele in an individual with CF (unpublished reference), suggesting that the variant of interest is not causative in this patient. Furthermore, multiple papers as well as Emory Genetics lab via ClinVar and SickKids report the variant as a benign polymorphism. Taken together, this intronic CFTR variant has been classified as Benign.

Ambry Genetics
Classification: Benign for Cystic fibrosis. Last evaluated: 2014-12-24. Review status: criteria provided, single submitter. Criteria: Ambry Variant Classification Scheme 2023. Collection method: clinical testing. Allele origin: germline.

Eurofins Ntd Llc (ga)
Classification: Benign. Last evaluated: 2013-04-29. Review status: criteria provided, single submitter. Criteria: EGL Classification Definitions 2015. Collection method: clinical testing. Allele origin: germline. Observed: 1 variant allele, 1 heterozygote.

Breakthrough Genomics
Classification: Likely benign. Review status: criteria provided, single submitter. Criteria: ACMG Guidelines, 2015. Collection method: not provided. Allele origin: germline. Inheritance: Autosomal recessive inheritance. Affected: yes.

PreventionGenetics, part of Exact Sciences
Classification: Likely benign. Review status: criteria provided, single submitter. Criteria: ACMG Guidelines, 2015. Collection method: clinical testing. Allele origin: germline.

Natera, Inc.
Classification: Benign for Cystic Fibrosis. Last evaluated: 2020-09-16. Review status: no assertion criteria provided. Collection method: clinical testing. Allele origin: germline. Not counted in ClinVar's aggregate classification.

Clinical Genetics DNA and cytogenetics Diagnostics Lab, Erasmus MC, Erasmus Medical Center
Classification: Benign. Review status: no assertion criteria provided. Collection method: clinical testing. Allele origin: germline. Affected: yes. Study: VKGL Data-share Consensus. Not counted in ClinVar's aggregate classification.

Genome Diagnostics Laboratory, University Medical Center Utrecht
Classification: Benign. Review status: no assertion criteria provided. Collection method: clinical testing. Allele origin: germline. Affected: yes. Study: VKGL Data-share Consensus. Not counted in ClinVar's aggregate classification.

Literature cited by the submitters: PubMed 15858154 (cited by 3 submitters); PubMed 25797027 (cited by Quest Diagnostics Nichols Institute San Juan Capistrano and Women's Health and Genetics/Laboratory Corporation of America, LabCorp); PubMed 22664493 (cited by Quest Diagnostics Nichols Institute San Juan Capistrano and Women's Health and Genetics/Laboratory Corporation of America, LabCorp); PubMed 10601093 (cited by Quest Diagnostics Nichols Institute San Juan Capistrano and Women's Health and Genetics/Laboratory Corporation of America, LabCorp); PubMed 28546993 (cited by Quest Diagnostics Nichols Institute San Juan Capistrano); PubMed 21520337 (cited by Quest Diagnostics Nichols Institute San Juan Capistrano and Women's Health and Genetics/Laboratory Corporation of America, LabCorp); PubMed 19812525 (cited by Quest Diagnostics Nichols Institute San Juan Capistrano and Women's Health and Genetics/Laboratory Corporation of America, LabCorp); PubMed 18687795 (cited by Quest Diagnostics Nichols Institute San Juan Capistrano and Women's Health and Genetics/Laboratory Corporation of America, LabCorp); PubMed 16251901 (cited by Quest Diagnostics Nichols Institute San Juan Capistrano and Women's Health and Genetics/Laboratory Corporation of America, LabCorp); PubMed 16128988 (cited by Quest Diagnostics Nichols Institute San Juan Capistrano and Women's Health and Genetics/Laboratory Corporation of America, LabCorp); PubMed 11354633 (cited by Quest Diagnostics Nichols Institute San Juan Capistrano and Women's Health and Genetics/Laboratory Corporation of America, LabCorp); PubMed 10571949 (cited by Quest Diagnostics Nichols Institute San Juan Capistrano and Women's Health and Genetics/Laboratory Corporation of America, LabCorp); PubMed 8956039 (cited by Quest Diagnostics Nichols Institute San Juan Capistrano and Women's Health and Genetics/Laboratory Corporation of America, LabCorp); PubMed 20021716 (cited by Women's Health and Genetics/Laboratory Corporation of America, LabCorp); PubMed 17020467 (cited by Women's Health and Genetics/Laboratory Corporation of America, LabCorp).

NM_000492.4(CFTR):c.4242+13A>G

Gene: CFTR (CF transmembrane conductance regulator; plus strand). Cytogenetic location: 7q31.2.
Variant type: single nucleotide variant.
Coding change: c.4242+13A>G on transcript NM_000492.4 (MANE Select); 13 bases into the intron after coding-DNA position 4242, A replaced by G.
Molecular consequence: intron variant.
Genome position (GRCh38, 1-based): chr7:117,665,577, A>G. VCF-style: chr7-117665577-A-G. GRCh37 (hg19) VCF-style: chr7-117305631-A-G.
Other names: 4374+13A/G.
Identifiers: ClinVar variation 93155 (VCV000093155.74), dbSNP rs76179227, ClinGen allele CA146703.